The following is an entry in ClinVar:

NM_014000.3(VCL):c.563G>A (p.Arg188Gln)

Gene: VCL (vinculin; plus strand). Cytogenetic location: 10q22.2.
Variant type: single nucleotide variant.
Coding change: c.563G>A on transcript NM_014000.3 (MANE Select); coding-DNA position 563, G replaced by A.
Protein change: p.Arg188Gln; replaces arginine 188 with glutamine.
Molecular consequence: missense variant.
Genome position (GRCh38, 1-based): chr10:74,072,793, G>A. VCF-style: chr10-74072793-G-A. GRCh37 (hg19) VCF-style: chr10-75832551-G-A.
Other names: c.563G>A, p.Arg188Gln (NM_003373.4); short protein forms R188Q.
Identifiers: ClinVar variation 4811531 (VCV004811531.1).

ClinVar aggregate classification (germline): Uncertain significance (1 of 4 stars; one submission).

Conditions:
Dilated cardiomyopathy 1W (CMD1W). Identifiers: Orphanet 154, MedGen C1969639, MONDO:0012667, OMIM 611407.

Submission:

Labcorp Genetics (formerly Invitae), Labcorp
Classification: Uncertain significance for Dilated cardiomyopathy 1W. Last evaluated: 2025-01-31. Review status: criteria provided, single submitter. Criteria: Invitae Variant Classification Sherloc (09022015). Collection method: clinical testing. Allele origin: germline.
Comment: This sequence change replaces arginine, which is basic and polar, with glutamine, which is neutral and polar, at codon 188 of the VCL protein (p.Arg188Gln). This variant is present in population databases (rs770173689, gnomAD 0.006%). This variant has not been reported in the literature in individuals affected with VCL-related conditions. An algorithm developed to predict the effect of missense changes on protein structure and function (PolyPhen-2) suggests that this variant is likely to be disruptive. In summary, the available evidence is currently insufficient to determine the role of this variant in disease. Therefore, it has been classified as a Variant of Uncertain Significance.